The following is an entry in ClinVar:

ClinVar aggregate classification (germline): Likely benign. Review status: criteria provided, multiple submitters, no conflicts (2 of 4 stars). 6 submissions from 6 submitters: Likely benign (6). Last evaluated 2024-01-16.

Conditions:
Familial thoracic aortic aneurysm and aortic dissection (TAAD). Also called: Thoracic aortic aneurysms and dissections. Identifiers: Orphanet 91387, MedGen C4707243, MONDO:0019625.
Marfan syndrome (MFS). Also called: Marfan syndrome type 1; Marfan syndrome, classic; Marfan's syndrome; FBN1-Related Marfan Syndrome; MARFAN SYNDROME, TYPE I. Identifiers: Orphanet 284963, Orphanet 558, MedGen C0024796, MONDO:0007947, OMIM 154700.

Allele frequency attached by ClinVar (database versions not stated): gnomAD 0.00001; gnomAD exomes 0.00001.
gnomAD v4.1: 22 of 1,613,760 alleles (0.0014%); highest among the groups gnomAD compares: Non-Finnish European, 0.0017%; no homozygotes.

Submissions (6):

Labcorp Genetics (formerly Invitae), Labcorp
Classification: Likely benign for Marfan syndrome; Familial thoracic aortic aneurysm and aortic dissection. Last evaluated: 2024-01-16. Review status: criteria provided, single submitter. Criteria: Invitae Variant Classification Sherloc (09022015). Collection method: clinical testing. Allele origin: germline.

Blueprint Genetics
Classification: Likely benign. Last evaluated: 2023-10-18. Review status: criteria provided, single submitter. Criteria: ACMG Guidelines, 2015. Collection method: clinical testing. Allele origin: germline.

All of Us Research Program, National Institutes of Health
Classification: Likely benign for Marfan syndrome. Last evaluated: 2023-06-28. Review status: criteria provided, single submitter. Criteria: ACMG Guidelines, 2015. Collection method: clinical testing. Allele origin: germline. Inheritance: Autosomal dominant inheritance. Observed: 4 variant alleles, 4 heterozygotes.
Comment: This study involves interpretation of variants in research participants for the purpose of population health screening. Participant phenotype was not available at the time of variant classification. Additional details can be found in publication PMID: 35346344, PMCID: PMC8962531

GeneDx
Classification: Likely benign. Last evaluated: 2019-07-02. Review status: criteria provided, single submitter. Criteria: GeneDx Variant Classification Process June 2021. Collection method: clinical testing. Allele origin: germline. Affected: yes.

Color Diagnostics, LLC DBA Color Health
Classification: Likely benign for Familial thoracic aortic aneurysm and aortic dissection. Last evaluated: 2019-03-19. Review status: criteria provided, single submitter. Criteria: ACMG Guidelines, 2015. Collection method: clinical testing. Allele origin: germline.

Ambry Genetics
Classification: Likely benign for Familial thoracic aortic aneurysm and aortic dissection. Last evaluated: 2016-06-16. Review status: criteria provided, single submitter. Criteria: Ambry Variant Classification Scheme 2023. Collection method: clinical testing. Allele origin: germline.

NM_000138.5(FBN1):c.7602G>A (p.Leu2534=)

Gene: FBN1 (fibrillin 1; minus strand). Cytogenetic location: 15q21.1.
Variant type: single nucleotide variant.
Coding change: c.7602G>A on transcript NM_000138.5 (MANE Select); coding-DNA position 7602, G replaced by A.
Protein change: p.Leu2534=; no amino-acid change (leucine 2534 retained).
Molecular consequence: synonymous variant.
Genome position (GRCh38, 1-based): chr15:48,421,655, C>T on the plus strand (G>A on the coding strand, the complement: FBN1 is on the minus strand). VCF-style: chr15-48421655-C-T. GRCh37 (hg19) VCF-style: chr15-48713852-C-T.
Identifiers: ClinVar variation 519720 (VCV000519720.19), dbSNP rs1392530685, ClinGen allele CA490015826.